The following is an entry in ClinVar:

NM_001754.5(RUNX1):c.1034C>G (p.Pro345Arg)

Gene: RUNX1 (RUNX family transcription factor 1; minus strand). Cytogenetic location: 21q22.12.
Variant type: single nucleotide variant.
Coding change: c.1034C>G on transcript NM_001754.5 (MANE Select); coding-DNA position 1034, C replaced by G.
Protein change: p.Pro345Arg; replaces proline 345 with arginine.
Molecular consequence: missense variant.
Genome position (GRCh38, 1-based): chr21:34,792,544, G>C on the plus strand (C>G on the coding strand, the complement: RUNX1 is on the minus strand). VCF-style: chr21-34792544-G-C. GRCh37 (hg19) VCF-style: chr21-36164841-G-C.
Other names: NM_001754.5(RUNX1):c.1034C>G; p.Pro345Arg; c.953C>G, p.Pro318Arg (NM_001001890.3); short protein forms P345R, P318R.
Identifiers: ClinVar variation 571484 (VCV000571484.15), dbSNP rs774629580, ClinGen allele CA10014218.

ClinVar aggregate classification (germline): Uncertain significance. Review status: reviewed by expert panel (3 of 4 stars). 5 submissions from 5 submitters: Uncertain significance (1). 4 of the submissions do not count toward it. Last evaluated 2022-07-05.

Conditions:
Hereditary thrombocytopenia and hematologic cancer predisposition syndrome. Identifiers: Orphanet 71290, MedGen CN281654, MONDO:0011071.
Acute myeloid leukemia (AML). Also called: Leukemia, acute myeloid, somatic; Leukemia, acute myelogenous, somatic; Acute myeloid leukemia, adult; AML adult; Acute non-lymphocytic leukemia; Acute granulocytic leukemia. Identifiers: Orphanet 519, MedGen C0023467, MeSH D015470, MONDO:0018874, OMIM 601626, HP:0004808. Disease mechanism: Constitutively activated FLT3.
Inborn genetic diseases. Identifiers: MedGen C0950123, MeSH D030342.
Hereditary thrombocytopenia and hematological cancer predisposition syndrome associated with RUNX1. Also called: PLATELET DISORDER, ASPIRIN-LIKE; Familial thrombocytopenia with propensity to acute myelogenous leukemia; Familial Platelet Disorder with Propensity to Acute Myelogenous Leukemia; RUNX1 Familial Platelet Disorder with Associated Myeloid Malignancies. Identifiers: Orphanet 71290, MedGen C1832388, MeSH C563324, MONDO:0100083, OMIM 601399.

Allele frequency attached by ClinVar (database versions not stated): gnomAD exomes below 0.00001; gnomAD 0.00001; TOPMed 0.00001; ExAC 0.00002.
gnomAD v4.1: 5 of 1,607,076 alleles (0.00031%); highest among the groups gnomAD compares: African/African-American, 0.0013%; no homozygotes.

Submissions (5):

ClinGen Myeloid Malignancy Variant Curation Expert Panel
Classification: Uncertain significance for Hereditary thrombocytopenia and hematologic cancer predisposition syndrome. Last evaluated: 2022-07-05. Review status: reviewed by expert panel. Criteria: ClinGen MyeloMalig ACMG Specifications v2. Collection method: curation. Allele origin: germline.
Comment: NM_001754.5(RUNX1):c.1034C>G (p.Pro345Arg) variant is present in gnomAD v2.1.1 and v3.1.2 (MAF 0.0001153, 1/8676 in African/ African American subpopulation) and does not meet any of the population criteria defined by the Myeloid Malignancy Variant Curation Expert Panel for RUNX1. REVEL score is not ≤0.50 (0.52). The variant has not been reported in patients with familial platelet disorder with a predisposition to hematologic malignancies in the literature, to the best of our knowledge. In summary, the clinical significance of this variant is uncertain. ACMG/AMP criteria applied, as specified by the Myeloid Malignancy Variant Curation Expert Panel for RUNX1: N/A

Labcorp Genetics (formerly Invitae), Labcorp
Classification: Uncertain significance for Hereditary thrombocytopenia and hematological cancer predisposition syndrome associated with RUNX1. Last evaluated: 2025-03-04. Review status: criteria provided, single submitter. Criteria: Invitae Variant Classification Sherloc (09022015). Collection method: clinical testing. Allele origin: germline. Not counted in ClinVar's aggregate classification.
Comment: This sequence change replaces proline, which is neutral and non-polar, with arginine, which is basic and polar, at codon 345 of the RUNX1 protein (p.Pro345Arg). The frequency data for this variant in the population databases is considered unreliable, as metrics indicate poor data quality at this position in the gnomAD database. This missense change has been observed in individual(s) with RUNX1-related conditions (PMID: 38282561). ClinVar contains an entry for this variant (Variation ID: 571484). Invitae Evidence Modeling of protein sequence and biophysical properties (such as structural, functional, and spatial information, amino acid conservation, physicochemical variation, residue mobility, and thermodynamic stability) has been performed for this missense variant. However, the output from this modeling did not meet the statistical confidence thresholds required to predict the impact of this variant on RUNX1 protein function. In summary, the available evidence is currently insufficient to determine the role of this variant in disease. Therefore, it has been classified as a Variant of Uncertain Significance.

Ambry Genetics
Classification: Uncertain significance for Inborn genetic diseases. Last evaluated: 2025-02-12. Review status: criteria provided, single submitter. Criteria: Ambry Variant Classification Scheme 2023. Collection method: clinical testing. Allele origin: germline. Not counted in ClinVar's aggregate classification.
Comment: The p.P345R variant (also known as c.1034C>G), located in coding exon 8 of the RUNX1 gene, results from a C to G substitution at nucleotide position 1034. The proline at codon 345 is replaced by arginine, an amino acid with dissimilar properties. This amino acid position is highly conserved in available vertebrate species. In addition, the in silico prediction for this alteration is inconclusive. Based on the available evidence, the clinical significance of this variant remains unclear.

Baylor Genetics
Classification: Uncertain significance for Acute myeloid leukemia. Last evaluated: 2024-03-12. Review status: criteria provided, single submitter. Criteria: ACMG Guidelines, 2015. Collection method: clinical testing. Allele origin: unknown. Not counted in ClinVar's aggregate classification.

GeneDx
Classification: Uncertain significance. Last evaluated: 2024-02-05. Review status: criteria provided, single submitter. Criteria: GeneDx Variant Classification Process June 2021. Collection method: clinical testing. Allele origin: germline. Affected: yes. Not counted in ClinVar's aggregate classification.
Comment: Not observed at significant frequency in large population cohorts (gnomAD); In silico analysis supports that this missense variant has a deleterious effect on protein structure/function; Has not been previously published as pathogenic or benign to our knowledge

Literature cited by the submitters: PubMed 38282561 (cited by Labcorp Genetics (formerly Invitae), Labcorp).